The following is an entry in ClinVar:

NM_004360.5(CDH1):c.1854C>T (p.Asp618=)

Gene: CDH1 (cadherin 1; plus strand). Cytogenetic location: 16q22.1.
Variant type: single nucleotide variant.
Coding change: c.1854C>T on transcript NM_004360.5 (MANE Select); coding-DNA position 1854, C replaced by T.
Protein change: p.Asp618=; no amino-acid change (aspartic acid 618 retained).
Molecular consequence: synonymous variant. On other transcripts: 5 prime UTR variant (1).
Genome position (GRCh38, 1-based): chr16:68,822,143, C>T. VCF-style: chr16-68822143-C-T. GRCh37 (hg19) VCF-style: chr16-68856046-C-T.
Other names: c.1671C>T, p.Asp557= (NM_001317184.2); c.306C>T, p.Asp102= (NM_001317185.2); c.-112C>T (NM_001317186.2).
Identifiers: ClinVar variation 3378794 (VCV003378794.2).

ClinVar aggregate classification (germline): Benign/Likely benign. Review status: criteria provided, multiple submitters, no conflicts (2 of 4 stars). 2 submissions from 2 submitters: Benign (1); Likely benign (1). Last evaluated 2024-09-23.

Conditions:
Hereditary cancer-predisposing syndrome. Also called: Hereditary Cancer Syndrome; Tumor predisposition; Hereditary neoplastic syndrome; Neoplastic Syndromes, Hereditary. Identifiers: Orphanet 140162, MedGen C0027672, MeSH D009386, MONDO:0015356.
Hereditary diffuse gastric adenocarcinoma (HDGC). Also called: DIFFUSE GASTRIC AND LOBULAR BREAST CANCER SYNDROME. Identifiers: Orphanet 26106, MedGen C1708349, MONDO:0007648, OMIM 137215.

Submissions (2):

Color Diagnostics, LLC DBA Color Health
Classification: Likely benign for Hereditary cancer-predisposing syndrome. Last evaluated: 2024-09-23. Review status: criteria provided, single submitter. Criteria: ACMG Guidelines, 2015. Collection method: clinical testing. Allele origin: germline.

Myriad Genetics, Inc.
Classification: Benign for Hereditary diffuse gastric adenocarcinoma. Last evaluated: 2024-09-20. Review status: criteria provided, single submitter. Criteria: Myriad Autosomal Dominant, Autosomal Recessive and X-Linked Classification Criteria (2023). Collection method: clinical testing. Allele origin: unknown.
Comment: This variant is considered benign. This variant is a silent/synonymous amino acid change and it is not expected to impact splicing.